The following is an entry in ClinVar:

NM_007194.4(CHEK2):c.908+6del

Gene: CHEK2 (checkpoint kinase 2; minus strand). Cytogenetic location: 22q12.1.
Variant type: Deletion.
Coding change: c.908+6del on transcript NM_007194.4 (MANE Select); 6 bases into the intron after coding-DNA position 908, one base deleted (T; older notation c.908+6delT).
Molecular consequence: intron variant.
Genome position (GRCh38, 1-based): chr22:28,703,499, A deleted on the plus strand (T on the coding strand, the reverse complement: CHEK2 is on the minus strand). VCF-style (leftmost placement, unchanged base first): chr22-28703498-TA-T. GRCh37 (hg19) VCF-style: chr22-29099486-TA-T.
Other names: c.245+6del (NM_001437942.1, NM_001257387.3); c.707+6del (NM_001349956.3); c.908+6del (NM_145862.3); c.1001+6del (NM_001438295.1, NM_001438293.1); c.1037+6del (NM_001438294.1, NM_001005735.3).
Identifiers: ClinVar variation 1038353 (VCV001038353.8), dbSNP rs2052973458, ClinGen allele CA2400241982.

ClinVar aggregate classification (germline): Uncertain significance (1 of 4 stars; one submission).

Conditions:
Familial cancer of breast. Also called: hereditary breast carcinoma; Hereditary breast cancer; BREAST CANCER, FAMILIAL. Identifiers: Orphanet 227535, MedGen C0346153, MONDO:0016419, OMIM 114480. Disease mechanism: loss of function.

Submission:

Labcorp Genetics (formerly Invitae), Labcorp
Classification: Uncertain significance for Familial cancer of breast. Last evaluated: 2023-05-26. Review status: criteria provided, single submitter. Criteria: Invitae Variant Classification Sherloc (09022015). Collection method: clinical testing. Allele origin: germline.
Comment: Variants that disrupt the consensus splice site are a relatively common cause of aberrant splicing (PMID: 17576681, 9536098). Algorithms developed to predict the effect of sequence changes on RNA splicing suggest that this variant may disrupt the consensus splice site. This sequence change falls in intron 8 of the CHEK2 gene. It does not directly change the encoded amino acid sequence of the CHEK2 protein. It affects a nucleotide within the consensus splice site. This variant is not present in population databases (gnomAD no frequency). This variant has not been reported in the literature in individuals affected with CHEK2-related conditions. ClinVar contains an entry for this variant (Variation ID: 1038353). In summary, the available evidence is currently insufficient to determine the role of this variant in disease. Therefore, it has been classified as a Variant of Uncertain Significance.

Literature cited by the submitters: PubMed 17576681; PubMed 9536098.